The following is an entry in ClinVar:

ClinVar aggregate classification (germline): Likely benign. Review status: criteria provided, multiple submitters, no conflicts (2 of 4 stars). 3 submissions from 3 submitters: Likely benign (2). 1 of the submissions does not count toward it. Last evaluated 2023-12-21.

Conditions:
TTC21B-related disorder. Also called: TTC21B-related condition; TTC21B-related disorders.
Jeune thoracic dystrophy. Also called: Jeune syndrome; Infantile thoracic dystrophy; Thoracic pelvic phalangeal dystrophy; Jeune's syndrome; Chondroectodermal dysplasia-like syndrome; Short-rib thoracic dysplasia. Identifiers: Orphanet 474, MedGen C0265275, MONDO:0018770.
Nephronophthisis. Also called: Juvenile Nephronophthisis. Identifiers: Orphanet 655, MedGen C0687120, MONDO:0019005, HP:0000090.

gnomAD v4.1: 16 of 1,613,480 alleles (0.00099%); highest among the groups gnomAD compares: Non-Finnish European, 0.0013%; no homozygotes.

Submissions (3):

Labcorp Genetics (formerly Invitae), Labcorp
Classification: Likely benign for Jeune thoracic dystrophy; Nephronophthisis. Last evaluated: 2023-12-21. Review status: criteria provided, single submitter. Criteria: Invitae Variant Classification Sherloc (09022015). Collection method: clinical testing. Allele origin: germline.

GeneDx
Classification: Likely benign. Last evaluated: 2017-07-18. Review status: criteria provided, single submitter. Criteria: GeneDx Variant Classification (06012015). Collection method: clinical testing. Allele origin: germline. Affected: yes.
Comment: This variant is considered likely benign or benign based on one or more of the following criteria: it is a conservative change, it occurs at a poorly conserved position in the protein, it is predicted to be benign by multiple in silico algorithms, and/or has population frequency not consistent with disease.

PreventionGenetics, part of Exact Sciences
Classification: Likely benign for TTC21B-related condition. Last evaluated: 2023-02-18. Review status: no assertion criteria provided. Collection method: clinical testing. Allele origin: germline. Not counted in ClinVar's aggregate classification.
Comment: This variant is classified as likely benign based on ACMG/AMP sequence variant interpretation guidelines (Richards et al. 2015 PMID: 25741868, with internal and published modifications).

NM_024753.5(TTC21B):c.114C>T (p.Val38=)

Gene: TTC21B (tetratricopeptide repeat domain 21B; minus strand). Cytogenetic location: 2q24.3.
Variant type: single nucleotide variant.
Coding change: c.114C>T on transcript NM_024753.5 (MANE Select); coding-DNA position 114, C replaced by T.
Protein change: p.Val38=; no amino-acid change (valine 38 retained).
Molecular consequence: synonymous variant.
Genome position (GRCh38, 1-based): chr2:165,949,632, G>A on the plus strand (C>T on the coding strand, the complement: TTC21B is on the minus strand). VCF-style: chr2-165949632-G-A. GRCh37 (hg19) VCF-style: chr2-166806142-G-A.
Identifiers: ClinVar variation 510778 (VCV000510778.10), dbSNP rs34486024, ClinGen allele CA59769316.
Genomic context (GRCh38, chr2:165,949,632, plus strand): 5'-CATGTTTAATGATTAACACGTACCTTCCATTAATGTGCCATAGGCATGATAAAACCTGAA[G>A]ACTGGATCACTTCCATACCTCTTAATTCCTTCACTGGCAACCAGTAATACATGATGGAAA-3'
Protein context (NP_079029.3, residues 28-48): EGIKRYGSDP[Val38=]FRFYHAYGTL